The following is an entry in ClinVar:

ClinVar aggregate classification (germline): Uncertain significance (1 of 4 stars; one submission).

Conditions:
Hereditary cancer-predisposing syndrome. Also called: Hereditary neoplastic syndrome; Hereditary Cancer Syndrome; Neoplastic Syndromes, Hereditary; Tumor predisposition. Identifiers: Orphanet 140162, MedGen C0027672, MeSH D009386, MONDO:0015356.

Submission:

Color Diagnostics, LLC DBA Color Health
Classification: Uncertain significance for Hereditary cancer-predisposing syndrome. Last evaluated: 2024-03-06. Review status: criteria provided, single submitter. Criteria: ACMG Guidelines, 2015. Collection method: clinical testing. Allele origin: germline.
Comment: This missense variant replaces histidine with glutamine at codon 437 of the MSH6 protein. Computational prediction suggests that this variant may have deleterious impact on protein structure and function (internally defined REVEL score threshold >= 0.7, PMID: 27666373). To our knowledge, functional studies have not been reported for this variant. This variant has not been reported in individuals affected with hereditary cancer in the literature. This variant has not been identified in the general population by the Genome Aggregation Database (gnomAD). The available evidence is insufficient to determine the role of this variant in disease conclusively. Therefore, this variant is classified as a Variant of Uncertain Significance.

NM_000179.3(MSH6):c.1311C>A (p.His437Gln)

Gene: MSH6 (mutS homolog 6; plus strand). Cytogenetic location: 2p16.3.
Variant type: single nucleotide variant.
Coding change: c.1311C>A on transcript NM_000179.3 (MANE Select); coding-DNA position 1311, C replaced by A.
Protein change: p.His437Gln; replaces histidine 437 with glutamine.
Molecular consequence: missense variant. On other transcripts: non-coding transcript variant (4), intron variant (1).
Genome position (GRCh38, 1-based): chr2:47,799,294, C>A. VCF-style: chr2-47799294-C-A. GRCh37 (hg19) VCF-style: chr2-48026433-C-A.
Other names: c.1014C>A, p.His338Gln (NM_001406820.1, NM_001406821.1, NM_001406822.1 and 10 more transcripts); c.405C>A, p.His135Gln (NM_001406823.1, NM_001406829.1, NM_001281493.2 and 6 more transcripts); c.1143C>A, p.His381Gln (NM_001406826.1); c.628-1372C>A (NM_001407362.1); c.921C>A, p.His307Gln (NM_001281492.2); c.1407C>A, p.His469Gln (NM_001406795.1, NM_001406802.1); c.1311C>A, p.His437Gln (NM_001406796.1, NM_001406798.1, NM_001406800.1 and 4 more transcripts); c.786C>A, p.His262Gln (NM_001406799.1, NM_001406806.1, NM_001406807.1); and 2 more; short protein forms H307Q, H338Q, H437Q, H439Q, H381Q, H135Q, H469Q, H262Q.
Identifiers: ClinVar variation 2773636 (VCV002773636.2), dbSNP rs1558661313, ClinGen allele CA346744359.